The following is an entry in ClinVar:

ClinVar aggregate classification (germline): Uncertain significance (1 of 4 stars; one submission).

Submission:

Labcorp Genetics (formerly Invitae), Labcorp
Classification: Uncertain significance. Last evaluated: 2019-08-27. Review status: criteria provided, single submitter. Criteria: Invitae Variant Classification Sherloc (09022015). Collection method: clinical testing. Allele origin: germline.
Comment: Algorithms developed to predict the effect of missense changes on protein structure and function output the following: SIFT: "Tolerated"; PolyPhen-2: "Benign"; Align-GVGD: "Class C0". The isoleucine amino acid residue is found in multiple mammalian species, suggesting that this missense change does not adversely affect protein function. These predictions have not been confirmed by published functional studies and their clinical significance is uncertain. In summary, the available evidence is currently insufficient to determine the role of this variant in disease. Therefore, it has been classified as a Variant of Uncertain Significance. This variant has not been reported in the literature in individuals with IMPG2-related conditions. This variant is not present in population databases (ExAC no frequency). This sequence change replaces valine with isoleucine at codon 18 of the IMPG2 protein (p.Val18Ile). The valine residue is moderately conserved and there is a small physicochemical difference between valine and isoleucine.

NM_016247.4(IMPG2):c.52G>A (p.Val18Ile)

Gene: IMPG2 (interphotoreceptor matrix proteoglycan 2; minus strand). Cytogenetic location: 3q12.3.
Variant type: single nucleotide variant.
Coding change: c.52G>A on transcript NM_016247.4 (MANE Select); coding-DNA position 52, G replaced by A.
Protein change: p.Val18Ile; replaces valine 18 with isoleucine.
Molecular consequence: missense variant.
Genome position (GRCh38, 1-based): chr3:101,320,321, C>T on the plus strand (G>A on the coding strand, the complement: IMPG2 is on the minus strand). VCF-style: chr3-101320321-C-T. GRCh37 (hg19) VCF-style: chr3-101039165-C-T.
Other names: short protein forms V18I.
Identifiers: ClinVar variation 943606 (VCV000943606.9), dbSNP rs2058805273, ClinGen allele CA353859288.